The following is an entry in ClinVar:

ClinVar aggregate classification (germline): Pathogenic (1 of 4 stars; one submission).

Conditions:
Cerebral cavernous malformation 2. Also called: Familial Cerebral Cavernous Malformation 2. Identifiers: Orphanet 221061, MedGen C1864041, MONDO:0011304, OMIM 603284.

Submission:

Labcorp Genetics (formerly Invitae), Labcorp
Classification: Pathogenic for Cerebral cavernous malformation 2. Last evaluated: 2018-05-02. Review status: criteria provided, single submitter. Criteria: Invitae Variant Classification Sherloc (09022015). Collection method: clinical testing. Allele origin: germline.
Comment: Loss-of-function variants in CCM2 are known to be pathogenic (PMID: 14624391, 17160895). This sequence change creates a premature translational stop signal (p.Leu73Phefs*12) in the CCM2 gene. It is expected to result in an absent or disrupted protein product. This variant is not present in population databases (ExAC no frequency). This variant has not been reported in the literature in individuals with CCM2-related disease. For these reasons, this variant has been classified as Pathogenic.

Literature cited by the submitters: PubMed 14624391; PubMed 17160895.

NM_031443.4(CCM2):c.219_220del (p.Leu73fs)

Gene: CCM2 (CCM2 scaffold protein; plus strand). Cytogenetic location: 7p13.
Variant type: Deletion.
Coding change: c.219_220del on transcript NM_031443.4 (MANE Select); coding-DNA positions 219 to 220, 2 bases deleted (AA; older notation c.219_220delAA).
Protein change: p.Leu73fs; shifts the reading frame from leucine 73.
Molecular consequence: frameshift variant. On other transcripts: non-coding transcript variant (1).
Genome position (GRCh38, 1-based): chr7:45,063,932-45,063,933, AA deleted. VCF-style (leftmost placement, unchanged base first): chr7-45063931-TAA-T. GRCh37 (hg19) VCF-style: chr7-45103530-TAA-T.
Other names: c.219_220delAA (NM_031443.3); c.282_283del, p.Leu94fs (NM_001029835.2); c.45_46del, p.Leu15fs (NM_001167934.2, NM_001363459.2); c.219_220del, p.Leu73fs (NM_001167935.2, NM_001363458.2); short protein forms L73fs, L15fs, L94fs.
Identifiers: ClinVar variation 570247 (VCV000570247.7), dbSNP rs1562906798, ClinGen allele CA891842532.
Genomic context (GRCh38, chr7:45,063,931, plus strand): 5'-GCTCAGCTCCCATTTCTCATGGCATTTTTTTCTTCACTTTCTTTCAGTATTTAGGTCAGT[TAA>T]CGTCCATACCAGGATACCTGAATCCCTCCAGTAGGACTGAAATCCTGCATTTCATAGACA-3'